The following is an entry in ClinVar:

ClinVar aggregate classification (germline): Pathogenic (1 of 4 stars; one submission).

Conditions:
Cone-rod dystrophy 13 (CORD13). Identifiers: Orphanet 1872, MedGen C2750720, MONDO:0011987, OMIM 608194.
Leber congenital amaurosis 6 (LCA6). Identifiers: Orphanet 65, MedGen C1854260, MONDO:0013446, OMIM 613826.

Submission:

Labcorp Genetics (formerly Invitae), Labcorp
Classification: Pathogenic for Leber congenital amaurosis 6; Cone-rod dystrophy 13. Last evaluated: 2021-08-04. Review status: criteria provided, single submitter. Criteria: Invitae Variant Classification Sherloc (09022015). Collection method: clinical testing. Allele origin: germline.
Comment: This variant is a gross deletion of the genomic region encompassing exon(s) 17 of the RPGRIP1 gene. This deletion is out-of-frame, and is expected to create a premature translational stop signal and result in an absent or disrupted protein product. Loss-of-function variants in RPGRIP1 are known to be pathogenic (PMID: 11528500, 23105016). A similar copy number variant has been observed in individual(s) with Leber congenital amaurosis (PMID: 29844330). In at least one individual the data is consistent with the variant being in trans (on the opposite chromosome) from a pathogenic variant. For these reasons, this variant has been classified as Pathogenic.

Literature cited by the submitters: PubMed 11528500; PubMed 23105016; PubMed 29844330.

NC_000014.8:g.(?_21795782)_(21795966_?)del

Gene: RPGRIP1 (RPGR interacting protein 1; plus strand). Cytogenetic location: 14q11.2.
Variant type: Deletion.
Identifiers: ClinVar variation 1073081 (VCV001073081.6).